The following is an entry in ClinVar:

ClinVar aggregate classification (germline): Uncertain significance (1 of 4 stars; one submission).

Conditions:
Norman-Roberts syndrome (LIS2). Also called: Lissencephaly 2 (Norman-Roberts type). Identifiers: Orphanet 89844, MedGen C0796089, MONDO:0009760, OMIM 257320.
Familial temporal lobe epilepsy 7. Identifiers: Orphanet 101046, MedGen C4225327, MONDO:0014639, OMIM 616436.

Submission:

Labcorp Genetics (formerly Invitae), Labcorp
Classification: Uncertain significance for Familial temporal lobe epilepsy 7; Norman-Roberts syndrome. Last evaluated: 2019-11-07. Review status: criteria provided, single submitter. Criteria: Invitae Variant Classification Sherloc (09022015). Collection method: clinical testing. Allele origin: germline.
Comment: This variant is not present in population databases (ExAC no frequency). This sequence change replaces alanine with valine at codon 3230 of the RELN protein (p.Ala3230Val). The alanine residue is moderately conserved and there is a small physicochemical difference between alanine and valine. This variant has not been reported in the literature in individuals with RELN-related conditions. Algorithms developed to predict the effect of missense changes on protein structure and function (SIFT, PolyPhen-2, Align-GVGD) all suggest that this variant is likely to be tolerated, but these predictions have not been confirmed by published functional studies and their clinical significance is uncertain. Algorithms developed to predict the effect of sequence changes on RNA splicing suggest that this variant may create or strengthen a splice site, but this prediction has not been confirmed by published transcriptional studies. In summary, the available evidence is currently insufficient to determine the role of this variant in disease. Therefore, it has been classified as a Variant of Uncertain Significance.

NM_005045.4(RELN):c.9689C>T (p.Ala3230Val)

Genes: RELN (reelin; minus strand), SLC26A5-AS1 (SLC26A5 antisense RNA 1; plus strand), LOC126860130 (BRD4-independent group 4 enhancer GRCh37_chr7:103130126-103131325; plus strand). Cytogenetic location: 7q22.1.
Variant type: single nucleotide variant.
Coding change: c.9689C>T on transcript NM_005045.4 (MANE Select); coding-DNA position 9689, C replaced by T.
Protein change: p.Ala3230Val; replaces alanine 3230 with valine.
Molecular consequence: missense variant.
Genome position (GRCh38, 1-based): chr7:103,489,816, G>A on the plus strand (C>T on the coding strand, the complement: RELN is on the minus strand). VCF-style: chr7-103489816-G-A. GRCh37 (hg19) VCF-style: chr7-103130263-G-A.
Other names: c.9689C>T, p.Ala3230Val (NM_173054.3); short protein forms A3230V.
Identifiers: ClinVar variation 955323 (VCV000955323.10), dbSNP rs1828586673, ClinGen allele CA368743742.
Genomic context (GRCh38, chr7:103,489,816, plus strand): 5'-TCGCAGATGCAGATGGCACCGGTCGTGCAGTATCCGTGCCCGCTGCAGAGCTTGGGGCAA[G>A]CCTCTCCAATGTACACGTGGTCAATTGCCCAGCTTTGCTTCTCAGTTTCTTCTCCCTTCT-3'
Protein context (NP_005036.2, residues 3220-3240): WAIDHVYIGE[Ala3230Val]CPKLCSGHGY